The following is an entry in ClinVar:

ClinVar aggregate classification (germline): Uncertain significance. Review status: criteria provided, multiple submitters, no conflicts (2 of 4 stars). 2 submissions from 2 submitters: Uncertain significance (2). Last evaluated 2026-03-24.

Conditions:
Emery-Dreifuss muscular dystrophy 5, autosomal dominant (EDMD5). Also called: EMERY-DREIFUSS MUSCULAR DYSTROPHY 5. Identifiers: Orphanet 261, MedGen C2751805, MONDO:0013072, OMIM 612999.

Allele frequency attached by ClinVar (database versions not stated): gnomAD 0.00001 and 0.00002; TOPMed 0.00002; gnomAD exomes 0.00003; ExAC 0.00004; ESP Exome Variant Server 0.00008.
gnomAD v4.1: 48 of 1,614,052 alleles (0.003%); highest among the groups gnomAD compares: Middle Eastern, 0.12%; no homozygotes.

Submissions (2):

Women's Health and Genetics/Laboratory Corporation of America, LabCorp
Classification: Uncertain significance. Last evaluated: 2026-03-24. Review status: criteria provided, single submitter. Criteria: LabCorp Variant Classification Summary - May 2015. Collection method: clinical testing. Allele origin: germline.
Comment: Variant summary: SYNE2 c.16844C>T (p.Ala5615Val) results in a non-conservative amino acid change in the encoded protein sequence. Algorithms developed to predict the effect of missense changes on protein structure and function are either unavailable or do not agree on the potential impact of this missense change. The variant allele was found at a frequency of 3.2e-05 in 251406 control chromosomes. The available data on variant occurrences in the general population are insufficient to allow any conclusion about variant significance. To our knowledge, no occurrence of c.16844C>T in individuals affected with SYNE2-related conditions and no experimental evidence demonstrating its impact on protein function have been reported. ClinVar contains an entry for this variant (Variation ID: 665104). Based on the evidence outlined above, the variant was classified as uncertain significance.

Labcorp Genetics (formerly Invitae), Labcorp
Classification: Uncertain significance for Emery-Dreifuss muscular dystrophy 5, autosomal dominant. Last evaluated: 2025-02-27. Review status: criteria provided, single submitter. Criteria: Invitae Variant Classification Sherloc (09022015). Collection method: clinical testing. Allele origin: germline.
Comment: This sequence change replaces alanine, which is neutral and non-polar, with valine, which is neutral and non-polar, at codon 5615 of the SYNE2 protein (p.Ala5615Val). This variant is present in population databases (rs372515789, gnomAD 0.008%). This variant has not been reported in the literature in individuals affected with SYNE2-related conditions. ClinVar contains an entry for this variant (Variation ID: 665104). An algorithm developed to predict the effect of missense changes on protein structure and function outputs the following: PolyPhen-2: "Benign". The valine amino acid residue is found in multiple mammalian species, which suggests that this missense change does not adversely affect protein function. In summary, the available evidence is currently insufficient to determine the role of this variant in disease. Therefore, it has been classified as a Variant of Uncertain Significance.

NM_182914.3(SYNE2):c.16844C>T (p.Ala5615Val)

Gene: SYNE2 (spectrin repeat containing nuclear envelope protein 2; plus strand). Cytogenetic location: 14q23.2.
Variant type: single nucleotide variant.
Coding change: c.16844C>T on transcript NM_182914.3 (MANE Select); coding-DNA position 16844, C replaced by T.
Protein change: p.Ala5615Val; replaces alanine 5615 with valine.
Molecular consequence: missense variant.
Genome position (GRCh38, 1-based): chr14:64,167,578, C>T. VCF-style: chr14-64167578-C-T. GRCh37 (hg19) VCF-style: chr14-64634296-C-T.
Other names: c.16844C>T, p.Ala5615Val (NM_015180.6); short protein forms A5615V.
Identifiers: ClinVar variation 665104 (VCV000665104.9), dbSNP rs372515789, ClinGen allele CA7223511.
Genomic context (GRCh38, chr14:64,167,578, plus strand): 5'-ATGAAAAGTTTCTTTATTGCTGTGAAAAGTGGATCCAACTTTTGGAGAAGATAGAAGAAG[C>T]ACTCAAAGTGGATGTGGCTAACAGCCTTCCTGAGCTCCTGGAGCAGCAGAAAACCTATAA-3'
Protein context (NP_878918.2, residues 5605-5625): WIQLLEKIEE[Ala5615Val]LKVDVANSLP